The following is an entry in ClinVar:

ClinVar aggregate classification (germline): Uncertain significance (1 of 4 stars; one submission).

Conditions:
Intellectual developmental disorder, autosomal dominant 52. Also called: Intellectual disability, autosomal dominant 52; Mental retardation, autosomal dominant 52. Identifiers: MedGen C4540478, MONDO:0030918, OMIM 617796.

Allele frequency attached by ClinVar (database versions not stated): gnomAD exomes below 0.00001.
gnomAD v4.1: 2 of 1,613,768 alleles (0.00012%); highest among the groups gnomAD compares: Admixed American, 0.0017%; no homozygotes.

Submission:

Victorian Clinical Genetics Services, Murdoch Childrens Research Institute
Classification: Uncertain significance for Intellectual developmental disorder, autosomal dominant 52. Last evaluated: 2020-05-21. Review status: criteria provided, single submitter. Criteria: ACMG Guidelines, 2015. Collection method: clinical testing. Allele origin: germline.
Comment: Based on the classification scheme VCGS_Germline_v1.1.1, this variant is classified as 3C-VUS. Following criteria are met: 0102 - Loss-of-function is a known mechanism of disease for this gene. (N) 0107 - This gene is known to be associated with autosomal dominant disease. (N) 0200 - Variant is predicted to result in a missense amino acid change from histidine to tyrosine (exon 3). (N) 0251 - Variant is heterozygous. (N) 0302 - Variant is present in gnomAD <0.001 (1 heterozygote, 0 homozygotes). (P) 0502 - Missense variant with conflicting in silico predictions and/or uninformative conservation. (N) 0604 - Variant is not located in an established domain, motif, hotspot or informative constraint region. (N) 0705 - No comparable variants have previous evidence for pathogenicity. (N) 0807 - Variant has not previously been reported in a clinical context. (N) 0905 - No segregation evidence has been identified for this variant. (N) 1007 - No published functional evidence has been identified for this variant. (N) Legend: (P) - Pathogenic, (N) - Neutral, (B) - Benign

NM_018489.3(ASH1L):c.3913C>T (p.His1305Tyr)

Gene: ASH1L (ASH1 like histone lysine methyltransferase; minus strand). Cytogenetic location: 1q22.
Variant type: single nucleotide variant.
Coding change: c.3913C>T on transcript NM_018489.3 (MANE Select); coding-DNA position 3913, C replaced by T.
Protein change: p.His1305Tyr; replaces histidine 1305 with tyrosine.
Molecular consequence: missense variant.
Genome position (GRCh38, 1-based): chr1:155,478,957, G>A on the plus strand (C>T on the coding strand, the complement: ASH1L is on the minus strand). VCF-style: chr1-155478957-G-A. GRCh37 (hg19) VCF-style: chr1-155448748-G-A.
Other names: c.3913C>T, p.His1305Tyr (NM_001366177.2); short protein forms H1305Y.
Identifiers: ClinVar variation 1805332 (VCV001805332.1), dbSNP rs1470973826, ClinGen allele CA342707332.